The following is an entry in ClinVar:

ClinVar aggregate classification (germline): Likely benign. Review status: criteria provided, multiple submitters, no conflicts (2 of 4 stars). 3 submissions from 3 submitters: Likely benign (3). Last evaluated 2026-01-19.

Allele frequency attached by ClinVar (database versions not stated): ExAC 0.00007; gnomAD exomes 0.00011.

Submissions (3):

Labcorp Genetics (formerly Invitae), Labcorp
Classification: Likely benign. Last evaluated: 2026-01-19. Review status: criteria provided, single submitter. Criteria: Invitae Variant Classification Sherloc (09022015). Collection method: clinical testing. Allele origin: germline.

Blueprint Genetics
Classification: Likely benign. Last evaluated: 2024-05-22. Review status: criteria provided, single submitter. Criteria: ACMG Guidelines, 2015. Collection method: clinical testing. Allele origin: germline.

CeGaT Center for Human Genetics Tuebingen
Classification: Likely benign. Last evaluated: 2022-11-01. Review status: criteria provided, single submitter. Criteria: CeGaT Center For Human Genetics Tuebingen Variant Classification Criteria Version 2. Collection method: clinical testing. Allele origin: germline. Affected: yes. Observed: 3 variant alleles.
Comment: CAD: BP4, BP7

NM_004341.5(CAD):c.1383C>A (p.Thr461=)

Gene: CAD (carbamoyl-phosphate synthetase 2, aspartate transcarbamylase, and dihydroorotase; plus strand). Cytogenetic location: 2p23.3.
Variant type: single nucleotide variant.
Coding change: c.1383C>A on transcript NM_004341.5 (MANE Select); coding-DNA position 1383, C replaced by A.
Protein change: p.Thr461=; no amino-acid change (threonine 461 retained).
Molecular consequence: synonymous variant.
Genome position (GRCh38, 1-based): chr2:27,224,873, C>A. VCF-style: chr2-27224873-C-A. GRCh37 (hg19) VCF-style: chr2-27447741-C-A.
Other names: c.1383C>A, p.Thr461= (NM_001306079.2).
Identifiers: ClinVar variation 1606442 (VCV001606442.33), dbSNP rs761858738, ClinGen allele CA1572685.
Genomic context (GRCh38, chr2:27,224,873, plus strand): 5'-GACCTCCCAGGGGCTGGCCGACAAGGTCTATTTTCTTCCCATAACACCTCATTATGTAAC[C>A]CAGGTATGACTGGGGCAAGGCTGGAATGAAAAGAGGACTGGGCAGGGGGGCCCAGTGGTC-3'
Protein context (NP_004332.2, residues 451-471): YFLPITPHYV[Thr461=]QVIRNERPDG